The following is an entry in ClinVar:

ClinVar aggregate classification (germline): Uncertain significance (1 of 4 stars; one submission).

Conditions:
ALG8 congenital disorder of glycosylation. Also called: CDG Ih; ALG8-CDG; CONGENITAL DISORDER OF GLYCOSYLATION, TYPE Ih. Identifiers: Orphanet 79325, MedGen C2931002, MONDO:0011969, OMIM 608104.

gnomAD v4.1: 1 of 1,613,918 alleles (0.000062%); highest among the groups gnomAD compares: Non-Finnish European, 0.000085%; no homozygotes.

Submission:

Labcorp Genetics (formerly Invitae), Labcorp
Classification: Uncertain significance for ALG8 congenital disorder of glycosylation. Last evaluated: 2023-02-21. Review status: criteria provided, single submitter. Criteria: Invitae Variant Classification Sherloc (09022015). Collection method: clinical testing. Allele origin: germline.
Comment: In summary, the available evidence is currently insufficient to determine the role of this variant in disease. Therefore, it has been classified as a Variant of Uncertain Significance. Advanced modeling of protein sequence and biophysical properties (such as structural, functional, and spatial information, amino acid conservation, physicochemical variation, residue mobility, and thermodynamic stability) performed at Invitae indicates that this missense variant is expected to disrupt ALG8 protein function. This variant has not been reported in the literature in individuals affected with ALG8-related conditions. This variant is present in population databases (no rsID available, gnomAD 0.007%). This sequence change replaces glycine, which is neutral and non-polar, with valine, which is neutral and non-polar, at codon 275 of the ALG8 protein (p.Gly275Val).

NM_024079.5(ALG8):c.824G>T (p.Gly275Val)

Gene: ALG8 (ALG8 alpha-1,3-glucosyltransferase; minus strand). Cytogenetic location: 11q14.1.
Variant type: single nucleotide variant.
Coding change: c.824G>T on transcript NM_024079.5 (MANE Select); coding-DNA position 824, G replaced by T.
Protein change: p.Gly275Val; replaces glycine 275 with valine.
Molecular consequence: missense variant. On other transcripts: synonymous variant (1).
Genome position (GRCh38, 1-based): chr11:78,112,724, C>A on the plus strand (G>T on the coding strand, the complement: ALG8 is on the minus strand). VCF-style: chr11-78112724-C-A. GRCh37 (hg19) VCF-style: chr11-77823770-C-A.
Other names: c.824G>T, p.Gly275Val (NM_001007027.3, NM_001425221.1, NM_001425222.1 and 8 more transcripts); c.827G>T, p.Gly276Val (NM_001425219.1); c.809G>T, p.Gly270Val (NM_001425220.1); c.818G>T, p.Gly273Val (NM_001425223.1); c.917G>T, p.Gly306Val (NM_001425224.1); c.671G>T, p.Gly224Val (NM_001425226.1, NM_001425235.1, NM_001425236.1); c.623G>T, p.Gly208Val (NM_001425231.1); c.560G>T, p.Gly187Val (NM_001425234.1, NM_001425239.1); and 3 more; short protein forms G103V, G275V, G276V, G306V, G208V, G224V, G273V, G90V.
Identifiers: ClinVar variation 2956772 (VCV002956772.3), dbSNP rs121908294, ClinGen allele CA382116191.